The following is an entry in ClinVar:

NM_000062.3(SERPING1):c.1269del (p.Ser422_Tyr423insTer)

Gene: SERPING1 (serpin family G member 1; plus strand). Cytogenetic location: 11q12.1.
Variant type: Deletion.
Coding change: c.1269del on transcript NM_000062.3 (MANE Select); coding-DNA position 1269, one base deleted (T; older notation c.1269delT).
Protein change: p.Ser422_Tyr423insTer.
Molecular consequence: nonsense.
Genome position (GRCh38, 1-based): chr11:57,614,347, T deleted. VCF-style (leftmost placement, unchanged base first): chr11-57614346-AT-A. GRCh37 (hg19) VCF-style: chr11-57381819-AT-A.
Other names: c.1269del, p.Ser422_Tyr423insTer (NM_001032295.2).
Identifiers: ClinVar variation 3242574 (VCV003242574.2), dbSNP rs2495457863.
Genomic context (GRCh38, chr11:57,614,346, plus strand): 5'-CATGCTGGCTTCTGACTCTGTTTTTCTCTGGTTTTGCCCTAGAATTCTTCGATTTTTCTT[AT>A]GACCTTAACCTGTGTGGGCTGACAGAGGACCCAGATCTTCAGGTTTCTGCGATGCAGCAC-3'

ClinVar aggregate classification (germline): Pathogenic (1 of 4 stars; one submission).

Conditions:
Hereditary angioedema type 1 (HAE1). Identifiers: Orphanet 100050, Orphanet 100051, Orphanet 91378, MedGen C2717906, MONDO:0015053, OMIM 106100.

Submission:

DNA-diagnostics Laboratory, Research Centre For Medical Genetics
Classification: Pathogenic for Hereditary angioedema type 1. Last evaluated: 2024-06-01. Review status: criteria provided, single submitter. Criteria: ACMG Guidelines, 2015. Collection method: research. Allele origin: germline. Inheritance: Autosomal dominant inheritance. Affected: yes. Observed: 3 variant alleles, 3 heterozygotes.
Comment: The c.1269del variant in SERPING1 meets ACMG/ClinGen SVI guidance criteria to be classified as pathogenic: PVS1_Str, PP4_Str, PM2_Sup